The following is an entry in ClinVar:

NM_020975.6(RET):c.1846G>A (p.Glu616Lys)

Gene: RET (ret proto-oncogene; plus strand). Cytogenetic location: 10q11.21.
Variant type: single nucleotide variant.
Coding change: c.1846G>A on transcript NM_020975.6 (MANE Select); coding-DNA position 1846, G replaced by A.
Protein change: p.Glu616Lys; replaces glutamic acid 616 with lysine.
Molecular consequence: missense variant.
Genome position (GRCh38, 1-based): chr10:43,113,642, G>A. VCF-style: chr10-43113642-G-A. GRCh37 (hg19) VCF-style: chr10-43609090-G-A.
Other names: c.1558G>A, p.Glu520Lys (NM_001406770.1, NM_001406766.1, NM_001406767.1); c.1408G>A, p.Glu470Lys (NM_001406771.1, NM_001406773.1); c.1450G>A, p.Glu484Lys (NM_001406772.1, NM_001406769.1); c.1321G>A, p.Glu441Lys (NM_001406774.1); c.1120G>A, p.Glu374Lys (NM_001406775.1, NM_001406776.1, NM_001406777.1 and 1 more transcripts); c.949G>A, p.Glu317Lys (NM_001406779.1, NM_001406780.1, NM_001406781.1 and 2 more transcripts); c.1846G>A, p.Glu616Lys (NM_000323.2, NM_001406743.1, NM_001406744.1 and 6 more transcripts); c.1084G>A, p.Glu362Lys (NM_001355216.2); and 5 more; short protein forms E616K, E362K, E441K, E286K, E374K, E520K, E221K, E274K.
Identifiers: ClinVar variation 1370424 (VCV001370424.9), dbSNP rs1393753095, ClinGen allele CA376552800.

ClinVar aggregate classification (germline): Conflicting classifications of pathogenicity. Review status: criteria provided, conflicting classifications (1 of 4 stars). 3 submissions from 3 submitters: Uncertain significance (2); Likely benign (1). Last evaluated 2024-06-05.

Conditions:
Multiple endocrine neoplasia type 2B. Also called: Multiple endocrine neoplasia, type 3; MULTIPLE ENDOCRINE NEOPLASIA, TYPE IIB; MEN IIB; NEUROMATA, MUCOSAL, WITH ENDOCRINE TUMORS; WAGENMANN-FROBOESE SYNDROME; MULTIPLE ENDOCRINE NEOPLASIA, TYPE III. Identifiers: Orphanet 247709, Orphanet 653, MedGen C0025269, MeSH D018814, MONDO:0008082, OMIM 162300.
Pheochromocytoma. Also called: MAX-Related Hereditary Paraganglioma-Pheochromocytoma Syndrome. Identifiers: Orphanet 29072, MedGen C0031511, MONDO:0008233, OMIM 171300, HP:0002666.
Familial medullary thyroid carcinoma (MTC). Also called: Familial Medullary Thyroid Carcinoma (FMTC); Thyroid cancer, familial medullary; MTC, familial. Identifiers: Orphanet 653, Orphanet 99361, MedGen C1833921, MONDO:0007958, OMIM 155240.
Hirschsprung disease, susceptibility to, 1 (HSCR1). Also called: RET-Related Hirschsprung Disease. Identifiers: Orphanet 388, MedGen C3888239, MONDO:0007723, OMIM 142623.
Multiple endocrine neoplasia type 2A. Also called: Multiple Endocrine Neoplasia Type 2A (MEN2A); MULTIPLE ENDOCRINE NEOPLASIA, TYPE IIA; PTC SYNDROME; SIPPLE SYNDROME; MEN 2A; MEN-2A syndrome. Identifiers: Orphanet 247698, Orphanet 653, MedGen C0025268, MeSH D018813, MONDO:0008234, OMIM 171400.
Hereditary cancer-predisposing syndrome. Also called: Neoplastic Syndromes, Hereditary; Tumor predisposition; Hereditary Cancer Syndrome; Hereditary neoplastic syndrome. Identifiers: Orphanet 140162, MedGen C0027672, MeSH D009386, MONDO:0015356.
Multiple endocrine neoplasia, type 2 (MEN2). Identifiers: Orphanet 653, MedGen C4048306, MONDO:0019003. Disease mechanism: gain of function.

Allele frequency attached by ClinVar (database versions not stated): gnomAD exomes below 0.00001.
gnomAD v4.1: 2 of 1,613,504 alleles (0.00012%); highest among the groups gnomAD compares: East Asian, 0.0022%; no homozygotes.

Submissions (3):

Fulgent Genetics
Classification: Uncertain significance for Hirschsprung disease, susceptibility to, 1; Familial medullary thyroid carcinoma; Multiple endocrine neoplasia type 2B; Pheochromocytoma; Multiple endocrine neoplasia type 2A. Last evaluated: 2024-06-05. Review status: criteria provided, single submitter. Criteria: ACMG Guidelines, 2015. Collection method: clinical testing. Allele origin: germline.

Ambry Genetics
Classification: Likely benign for Hereditary cancer-predisposing syndrome. Last evaluated: 2024-05-31. Review status: criteria provided, single submitter. Criteria: Ambry Variant Classification Scheme 2023. Collection method: clinical testing. Allele origin: germline.

Labcorp Genetics (formerly Invitae), Labcorp
Classification: Uncertain significance for Multiple endocrine neoplasia, type 2. Last evaluated: 2024-04-18. Review status: criteria provided, single submitter. Criteria: Invitae Variant Classification Sherloc (09022015). Collection method: clinical testing. Allele origin: germline.
Comment: This sequence change replaces glutamic acid, which is acidic and polar, with lysine, which is basic and polar, at codon 616 of the RET protein (p.Glu616Lys). This variant is present in population databases (no rsID available, gnomAD 0.006%). This variant has not been reported in the literature in individuals affected with RET-related conditions. ClinVar contains an entry for this variant (Variation ID: 1370424). Algorithms developed to predict the effect of missense changes on protein structure and function output the following: SIFT: "Not Available"; PolyPhen-2: "Benign"; Align-GVGD: "Not Available". The lysine amino acid residue is found in multiple mammalian species, which suggests that this missense change does not adversely affect protein function. In summary, the available evidence is currently insufficient to determine the role of this variant in disease. Therefore, it has been classified as a Variant of Uncertain Significance.